The following is an entry in ClinVar:

NM_002474.3(MYH11):c.3981A>G (p.Glu1327=)

Genes: MYH11 (myosin heavy chain 11; minus strand), NDE1 (nudE neurodevelopment protein 1; plus strand). Cytogenetic location: 16p13.11.
Variant type: single nucleotide variant.
Coding change: c.3981A>G on transcript NM_002474.3 (MANE Select); coding-DNA position 3981, A replaced by G.
Protein change: p.Glu1327=; no amino-acid change (glutamic acid 1327 retained).
Molecular consequence: synonymous variant. On other transcripts: 3 prime UTR variant (2).
Genome position (GRCh38, 1-based): chr16:15,724,782, T>C on the plus strand (A>G on the coding strand, the complement: MYH11 is on the minus strand). VCF-style: chr16-15724782-T-C. GRCh37 (hg19) VCF-style: chr16-15818639-T-C.
Other names: c.*531T>C (NM_017668.3, NM_001143979.2); c.4002A>G, p.Glu1334= (NM_001040113.2, NM_001040114.2); c.3981A>G, p.Glu1327= (NM_022844.3).
Identifiers: ClinVar variation 1711402 (VCV001711402.30), dbSNP rs2506144321, ClinGen allele CA494088078.
Genomic context (GRCh38, chr16:15,724,782, plus strand): 5'-GCTGTTCCGCTCCTCCTCCAGCTGGCGCAGCTTCGTAGACACGTTGAGCTTCTGCCGGGT[T>C]TCTTCTTGAAGCAGCTCCTGCAAAAGGGATGCAAAGAGGTCCCAGGGACCTGCCCCGAGG-3'
Protein context (NP_002465.1, residues 1317-1337): LQDTQELLQE[Glu1327=]TRQKLNVSTK

ClinVar aggregate classification (germline): Likely benign (1 of 4 stars; one submission).

Submission:

CeGaT Center for Human Genetics Tuebingen
Classification: Likely benign. Last evaluated: 2022-08-01. Review status: criteria provided, single submitter. Criteria: CeGaT Center For Human Genetics Tuebingen Variant Classification Criteria Version 2. Collection method: clinical testing. Allele origin: germline. Affected: yes. Observed: 1 variant allele.
Comment: MYH11: PM2:Supporting, BP4, BP7